The following is an entry in ClinVar:

NM_000458.4(HNF1B):c.344+2T>G

Gene: HNF1B (HNF1 homeobox B; minus strand). Cytogenetic location: 17q12.
Variant type: single nucleotide variant.
Coding change: c.344+2T>G on transcript NM_000458.4 (MANE Select); the canonical splice donor site of the intron after coding-DNA position 344, T replaced by G.
Molecular consequence: splice donor variant.
Genome position (GRCh38, 1-based): chr17:37,744,539, A>C on the plus strand (T>G on the coding strand, the complement: HNF1B is on the minus strand). VCF-style: chr17-37744539-A-C. GRCh37 (hg19) VCF-style: chr17-36104530-A-C.
Other names: c.344+2T>G (NM_001304286.2, NM_001165923.4, NM_001411100.1).
Identifiers: ClinVar variation 2012853 (VCV002012853.5), dbSNP rs2511849321, ClinGen allele CA398752876.

ClinVar aggregate classification (germline): Pathogenic. Review status: criteria provided, multiple submitters, no conflicts (2 of 4 stars). 2 submissions from 2 submitters: Pathogenic (2). Last evaluated 2023-07-17.

Conditions:
Renal cysts and diabetes syndrome (RCAD). Also called: Familial hypoplastic, glomerulocystic kidney; MATURITY-ONSET DIABETES OF THE YOUNG, TYPE 5. Identifiers: Orphanet 93111, MedGen C0431693, MONDO:0007669, OMIM 137920.

Submissions (2):

Laboratorio de Biologia Molecular - Genetica, Hospital de Pediatria Garrahan
Classification: Pathogenic for Renal cysts and diabetes syndrome. Last evaluated: 2023-07-17. Review status: criteria provided, single submitter. Criteria: ACMG Guidelines, 2015. Collection method: clinical testing. Allele origin: germline. Affected: yes. Observed: 1 variant allele.
Comment: This sequence change affects a donor splice site in intron 1 of the HNF1B gene. It is expected to disrupt RNA splicing. Variants that disrupt the donor or acceptor splice site typically lead to a loss of protein function, and loss-of-function variants in HNF1B are known to be pathogenic (PVS1). This variant is not present in population databases (gnomAD no frequency) (PM2_supporting). A different variant affecting the same nucleotide has been described (PMID: 26899772) (PS1_Supporting). For these reasons, this variant has been classified as Pathogenic.

Labcorp Genetics (formerly Invitae), Labcorp
Classification: Pathogenic. Last evaluated: 2021-11-28. Review status: criteria provided, single submitter. Criteria: Invitae Variant Classification Sherloc (09022015). Collection method: clinical testing. Allele origin: germline.
Comment: For these reasons, this variant has been classified as Pathogenic. Algorithms developed to predict the effect of sequence changes on RNA splicing suggest that this variant may disrupt the consensus splice site. Disruption of this splice site has been observed in individual(s) with clinical features of renal cysts and diabetes syndrome (PMID: 26899772). In at least one individual the variant was observed to be de novo. This variant is not present in population databases (gnomAD no frequency). This sequence change affects a donor splice site in intron 1 of the HNF1B gene. It is expected to disrupt RNA splicing. Variants that disrupt the donor or acceptor splice site typically lead to a loss of protein function (PMID: 16199547), and loss-of-function variants in HNF1B are known to be pathogenic (PMID: 9398836, 12148114, 15068978, 20378641).

Literature cited by the submitters: PubMed 26899772 (cited by Labcorp Genetics (formerly Invitae), Labcorp); PubMed 16199547 (cited by Labcorp Genetics (formerly Invitae), Labcorp); PubMed 9398836 (cited by Labcorp Genetics (formerly Invitae), Labcorp); PubMed 12148114 (cited by Labcorp Genetics (formerly Invitae), Labcorp); PubMed 15068978 (cited by Labcorp Genetics (formerly Invitae), Labcorp); PubMed 20378641 (cited by Labcorp Genetics (formerly Invitae), Labcorp).